The following is an entry in ClinVar:

NM_194248.3(OTOF):c.3864+2T>A

Gene: OTOF (otoferlin; minus strand). Cytogenetic location: 2p23.3.
Variant type: single nucleotide variant.
Coding change: c.3864+2T>A on transcript NM_194248.3 (MANE Select); the canonical splice donor site of the intron after coding-DNA position 3864, T replaced by A.
Molecular consequence: splice donor variant.
Genome position (GRCh38, 1-based): chr2:26,472,517, A>T on the plus strand (T>A on the coding strand, the complement: OTOF is on the minus strand). VCF-style: chr2-26472517-A-T. GRCh37 (hg19) VCF-style: chr2-26695385-A-T.
Other names: c.3864+2T>A (NM_001287489.2); c.1563+2T>A (NM_194323.3, NM_004802.4); c.1794+2T>A (NM_194322.3).
Identifiers: ClinVar variation 4086489 (VCV004086489.2).
Genomic context (GRCh38, chr2:26,472,517, plus strand): 5'-AGGATGTGTCACACGAAGTTGCATGTTCCCAGCCAGCAGGGGGCTGACCCCACCCGCCTT[A>T]CCGCGTCCAGCTTCACCATGGTCTCCAGTTTCTTGATGGGTACCTCTGGCTCCATAGTCA-3'

ClinVar aggregate classification (germline): Pathogenic (1 of 4 stars; one submission).

Submission:

GeneDx
Classification: Pathogenic. Last evaluated: 2026-02-18. Review status: criteria provided, single submitter. Criteria: GeneDx Variant Classification Process June 2021. Collection method: clinical testing. Allele origin: germline.
Comment: Canonical splice site variant predicted to result in a null allele in a gene for which loss of function is a known mechanism of disease; Not observed at significant frequency in large population cohorts (gnomAD); Has not been previously published as pathogenic or benign to our knowledge